The following is an entry in ClinVar:

NM_006493.4(CLN5):c.*158C>G

Gene: CLN5 (CLN5 lysosomal BMP synthase; plus strand). Cytogenetic location: 13q22.3.
Variant type: single nucleotide variant.
Coding change: c.*158C>G on transcript NM_006493.4 (MANE Select); 158 bases downstream of the stop codon, C replaced by G.
Molecular consequence: 3 prime UTR variant.
Genome position (GRCh38, 1-based): chr13:77,001,127, C>G. VCF-style: chr13-77001127-C-G. GRCh37 (hg19) VCF-style: chr13-77575262-C-G.
Other names: c.*158C>G (LRG_692t1); c.*684C>G (NM_001366624.2).
Identifiers: ClinVar variation 312431 (VCV000312431.8), dbSNP rs111327761, ClinGen allele CA10643656.

ClinVar aggregate classification (germline): Benign/Likely benign. Review status: criteria provided, multiple submitters, no conflicts (2 of 4 stars). 3 submissions from 3 submitters: Benign (2); Likely benign (1). Last evaluated 2018-06-29.

Conditions:
Neuronal ceroid lipofuscinosis 5 (CLN5). Also called: CEROID LIPOFUSCINOSIS, NEURONAL, 5, VARIABLE AGE AT ONSET; Neuronal ceroid lipofuscinosis Finnish variant; NEURONAL CEROID LIPOFUSCINOSIS, LATE INFANTILE, FINNISH VARIANT; CLN5-Related Neuronal Ceroid-Lipofuscinosis. Identifiers: Orphanet 168491, Orphanet 228360, MedGen C1850442, MONDO:0009745, OMIM 256731.

Allele frequency attached by ClinVar (database versions not stated): gnomAD exomes 0.00297; gnomAD 0.01506 and 0.01567; TOPMed 0.01642; 1000 Genomes Project 0.01957; 1000 Genomes Project 30x 0.02014.
gnomAD v4.1: 3,756 of 622,270 alleles (0.6%); highest among the groups gnomAD compares: African/African-American, 5%; 69 homozygotes.

Submissions (3):

GeneDx
Classification: Benign. Last evaluated: 2018-06-29. Review status: criteria provided, single submitter. Criteria: GeneDx Variant Classification Process June 2021. Collection method: clinical testing. Allele origin: germline. Affected: yes.

Illumina Laboratory Services, Illumina
Classification: Benign for Neuronal ceroid lipofuscinosis 5. Last evaluated: 2018-01-13. Review status: criteria provided, single submitter. Criteria: ICSL Variant Classification Criteria 13 December 2019. Collection method: clinical testing. Allele origin: germline.
Comment: This variant was observed in the ICSL laboratory as part of a predisposition screen in an ostensibly healthy population. It had not been previously curated by ICSL or reported in the Human Gene Mutation Database (HGMD: prior to June 1st, 2018), and was therefore a candidate for classification through an automated scoring system. Utilizing variant allele frequency, disease prevalence and penetrance estimates, and inheritance mode, an automated score was calculated to assess if this variant is too frequent to cause the disease. Based on the score and internal cut-off values, a variant classified as benign is not then subjected to further curation. The score for this variant resulted in a classification of benign for this disease.

Breakthrough Genomics
Classification: Likely benign. Review status: criteria provided, single submitter. Criteria: ACMG Guidelines, 2015. Collection method: not provided. Allele origin: germline. Inheritance: Autosomal recessive inheritance. Affected: yes.